The following is an entry in ClinVar:

ClinVar aggregate classification (germline): Uncertain significance (1 of 4 stars; one submission).

Submission:

CeGaT Center for Human Genetics Tuebingen
Classification: Uncertain significance. Last evaluated: 2026-08-01. Review status: criteria provided, single submitter. Criteria: CeGaT Center For Human Genetics Tuebingen Variant Classification Criteria Version 2. Collection method: clinical testing. Allele origin: germline. Affected: yes. Observed: 1 variant allele.
Comment: USP7: PM2

NM_003470.3(USP7):c.2074T>C (p.Tyr692His)

Gene: USP7 (ubiquitin specific peptidase 7; minus strand). Cytogenetic location: 16p13.2.
Variant type: single nucleotide variant.
Coding change: c.2074T>C on transcript NM_003470.3 (MANE Select); coding-DNA position 2074, T replaced by C.
Protein change: p.Tyr692His; replaces tyrosine 692 with histidine.
Molecular consequence: missense variant. On other transcripts: non-coding transcript variant (1).
Genome position (GRCh38, 1-based): chr16:8,901,208, A>G on the plus strand (T>C on the coding strand, the complement: USP7 is on the minus strand). VCF-style: chr16-8901208-A-G. GRCh37 (hg19) VCF-style: chr16-8995065-A-G.
Other names: c.1777T>C, p.Tyr593His (NM_001286458.2); c.1900T>C, p.Tyr634His (NM_001321858.2); c.2026T>C, p.Tyr676His (NM_001286457.2); short protein forms Y593H, Y634H, Y676H, Y692H.
Identifiers: ClinVar variation 5040540 (VCV005040540.1).